The following is an entry in ClinVar:

NM_024685.4(BBS10):c.91C>G (p.Pro31Ala)

Gene: BBS10 (Bardet-Biedl syndrome 10; minus strand). Cytogenetic location: 12q21.2.
Variant type: single nucleotide variant.
Coding change: c.91C>G on transcript NM_024685.4 (MANE Select); coding-DNA position 91, C replaced by G.
Protein change: p.Pro31Ala; replaces proline 31 with alanine.
Molecular consequence: missense variant.
Genome position (GRCh38, 1-based): chr12:76,348,268, G>C on the plus strand (C>G on the coding strand, the complement: BBS10 is on the minus strand). VCF-style: chr12-76348268-G-C. GRCh37 (hg19) VCF-style: chr12-76742048-G-C.
Other names: short protein forms P31A.
Identifiers: ClinVar variation 5001731 (VCV005001731.1).

ClinVar aggregate classification (germline): Uncertain significance (1 of 4 stars; one submission).

Conditions:
BBS10-related disorder. Also called: BBS10-related condition.

Submission:

PreventionGenetics, part of Exact Sciences
Classification: Uncertain significance for BBS10-related condition. Last evaluated: 2025-01-23. Review status: criteria provided, single submitter. Criteria: ACMG Guidelines, 2015. Collection method: clinical testing. Allele origin: germline.
Comment: The BBS10 c.91C>G variant is predicted to result in the amino acid substitution p.Pro31Ala. To our knowledge, this variant has not been reported in the literature or in a large population database (gnomAD), indicating this variant is rare. At this time, the clinical significance of this variant is uncertain due to the absence of conclusive functional and genetic evidence.